The following is an entry in ClinVar:

ClinVar aggregate classification (germline): Uncertain significance. Review status: criteria provided, multiple submitters, no conflicts (2 of 4 stars). 2 submissions from 2 submitters: Uncertain significance (2). Last evaluated 2025-09-28.

Conditions:
Inborn genetic diseases. Identifiers: MedGen C0950123, MeSH D030342.
Bethlem myopathy 1A. Also called: Bethlem myopathy 1; MYOPATHY, BENIGN CONGENITAL, WITH CONTRACTURES; Bethlem Muscular Dystrophy. Identifiers: Orphanet 610, MedGen CN029274, MONDO:0024530, OMIM 158810.

Allele frequency attached by ClinVar (database versions not stated): gnomAD exomes below 0.00001.
gnomAD v4.1: 3 of 1,600,380 alleles (0.00019%); highest among the groups gnomAD compares: Non-Finnish European, 0.00026%; no homozygotes.

Submissions (2):

Ambry Genetics
Classification: Uncertain significance for Inborn genetic diseases. Last evaluated: 2025-09-28. Review status: criteria provided, single submitter. Criteria: Ambry Variant Classification Scheme 2023. Collection method: clinical testing. Allele origin: germline.

Labcorp Genetics (formerly Invitae), Labcorp
Classification: Uncertain significance for Bethlem myopathy 1A. Last evaluated: 2024-12-24. Review status: criteria provided, single submitter. Criteria: Invitae Variant Classification Sherloc (09022015). Collection method: clinical testing. Allele origin: germline.
Comment: This sequence change replaces proline, which is neutral and non-polar, with threonine, which is neutral and polar, at codon 981 of the COL6A1 protein (p.Pro981Thr). This variant is not present in population databases (gnomAD no frequency). This variant has not been reported in the literature in individuals affected with COL6A1-related conditions. ClinVar contains an entry for this variant (Variation ID: 569366). Invitae Evidence Modeling of protein sequence and biophysical properties (such as structural, functional, and spatial information, amino acid conservation, physicochemical variation, residue mobility, and thermodynamic stability) indicates that this missense variant is not expected to disrupt COL6A1 protein function with a negative predictive value of 95%. In summary, the available evidence is currently insufficient to determine the role of this variant in disease. Therefore, it has been classified as a Variant of Uncertain Significance.

NM_001848.3(COL6A1):c.2941C>A (p.Pro981Thr)

Gene: COL6A1 (collagen type VI alpha 1 chain; plus strand). Cytogenetic location: 21q22.3.
Variant type: single nucleotide variant.
Coding change: c.2941C>A on transcript NM_001848.3 (MANE Select); coding-DNA position 2941, C replaced by A.
Protein change: p.Pro981Thr; replaces proline 981 with threonine.
Molecular consequence: missense variant.
Genome position (GRCh38, 1-based): chr21:46,003,867, C>A. VCF-style: chr21-46003867-C-A. GRCh37 (hg19) VCF-style: chr21-47423781-C-A.
Other names: short protein forms P981T.
Identifiers: ClinVar variation 569366 (VCV000569366.10), dbSNP rs1569519253, ClinGen allele CA410541542.